The following is an entry in ClinVar:

NM_001004334.4(GPR179):c.74C>A (p.Ala25Asp)

Gene: GPR179 (G protein-coupled receptor 179; minus strand). Cytogenetic location: 17q12.
Variant type: single nucleotide variant.
Coding change: c.74C>A on transcript NM_001004334.4 (MANE Select); coding-DNA position 74, C replaced by A.
Protein change: p.Ala25Asp; replaces alanine 25 with aspartic acid.
Molecular consequence: missense variant.
Genome position (GRCh38, 1-based): chr17:38,343,716, G>T on the plus strand (C>A on the coding strand, the complement: GPR179 is on the minus strand). VCF-style: chr17-38343716-G-T. GRCh37 (hg19) VCF-style: chr17-36499599-G-T.
Other names: short protein forms A25D.
Identifiers: ClinVar variation 323043 (VCV000323043.14), dbSNP rs111677298, ClinGen allele CA10639569.

ClinVar aggregate classification (germline): Benign/Likely benign. Review status: criteria provided, multiple submitters, no conflicts (2 of 4 stars). 3 submissions from 3 submitters: Benign (1); Likely benign (2). Last evaluated 2026-01-21.

Conditions:
Congenital stationary night blindness 1E. Also called: Night blindness, congenital stationary (complete), 1E, autosomal recessive. Identifiers: Orphanet 215, MedGen C3281215, MONDO:0013807, OMIM 614565.

Allele frequency attached by ClinVar (database versions not stated): gnomAD exomes 0.00321 and 0.00102; ExAC 0.00379; ESP Exome Variant Server 0.01085; gnomAD 0.01132 and 0.01196; TOPMed 0.01235; 1000 Genomes Project 0.01298; 1000 Genomes Project 30x 0.01421.

Submissions (3):

Labcorp Genetics (formerly Invitae), Labcorp
Classification: Benign. Last evaluated: 2026-01-21. Review status: criteria provided, single submitter. Criteria: Invitae Variant Classification Sherloc (09022015). Collection method: clinical testing. Allele origin: germline.

Illumina Laboratory Services, Illumina
Classification: Likely benign for Congenital stationary night blindness 1E. Last evaluated: 2017-04-27. Review status: criteria provided, single submitter. Criteria: ICSL Variant Classification Criteria 13 December 2019. Collection method: clinical testing. Allele origin: germline.
Comment: This variant was observed as part of a predisposition screen in an ostensibly healthy population. A literature search was performed for the gene, cDNA change, and amino acid change (where applicable). No publications were found based on this search. Allele frequency data from public databases allowed determination this variant is unlikely to cause disease. Therefore, this variant is classified as likely benign.

Breakthrough Genomics
Classification: Likely benign. Review status: criteria provided, single submitter. Criteria: ACMG Guidelines, 2015. Collection method: not provided. Allele origin: germline. Inheritance: Autosomal recessive inheritance. Affected: yes.